The following is an entry in ClinVar:

ClinVar aggregate classification (germline): Uncertain significance (1 of 4 stars; one submission).

Submission:

GeneDx
Classification: Uncertain significance. Last evaluated: 2026-02-28. Review status: criteria provided, single submitter. Criteria: GeneDx Variant Classification Process June 2021. Collection method: clinical testing. Allele origin: germline.
Comment: Not observed at significant frequency in large population cohorts (gnomAD); In silico analysis suggests that this missense variant does not alter protein structure/function; Has not been previously published as pathogenic or benign to our knowledge

NM_006180.6(NTRK2):c.1143G>C (p.Trp381Cys)

Gene: NTRK2 (neurotrophic receptor tyrosine kinase 2; plus strand). Cytogenetic location: 9q21.33.
Variant type: single nucleotide variant.
Coding change: c.1143G>C on transcript NM_006180.6 (MANE Select); coding-DNA position 1143, G replaced by C.
Protein change: p.Trp381Cys; replaces tryptophan 381 with cysteine.
Molecular consequence: missense variant.
Genome position (GRCh38, 1-based): chr9:84,727,943, G>C. VCF-style: chr9-84727943-G-C. GRCh37 (hg19) VCF-style: chr9-87342858-G-C.
Other names: c.1143G>C, p.Trp381Cys (NM_001007097.3, NM_001018064.3, NM_001018065.2 and 16 more transcripts); c.1104G>C, p.Trp368Cys (NM_001291937.2, NM_001369546.1); c.675G>C, p.Trp225Cys (NM_001369535.1, NM_001369536.1, NM_001369550.1 and 2 more transcripts); short protein forms W368C, W381C, W225C.
Identifiers: ClinVar variation 5008298 (VCV005008298.1).